The following is an entry in ClinVar:

ClinVar aggregate classification (germline): Conflicting classifications of pathogenicity. Review status: criteria provided, conflicting classifications (1 of 4 stars). 3 submissions from 3 submitters: Pathogenic (1); Uncertain significance (1). 1 of the submissions does not count toward it. Last evaluated 2025-08-21.

Conditions:
Brown-Vialetto-van Laere syndrome 1. Also called: BROWN-VIALETTO-VAN LAERE SYNDROME 1, MILD; BULBAR PALSY, PROGRESSIVE, WITH SENSORINEURAL DEAFNESS; PONTOBULBAR PALSY WITH DEAFNESS. Identifiers: Orphanet 572550, Orphanet 97229, MedGen C0796274, MONDO:0024537, OMIM 211530.

Allele frequency attached by ClinVar (database versions not stated): gnomAD 0.00001; gnomAD exomes 0.00001; ExAC 0.00002.
gnomAD v4.1: 9 of 1,579,164 alleles (0.00057%); highest among the groups gnomAD compares: Admixed American, 0.0019%; no homozygotes.

Submissions (3):

Labcorp Genetics (formerly Invitae), Labcorp
Classification: Pathogenic for Brown-Vialetto-van Laere syndrome 1. Last evaluated: 2025-08-21. Review status: criteria provided, single submitter. Criteria: Invitae Variant Classification Sherloc (09022015). Collection method: clinical testing. Allele origin: germline.
Comment: This sequence change replaces glutamic acid, which is acidic and polar, with lysine, which is basic and polar, at codon 71 of the SLC52A3 protein (p.Glu71Lys). This variant is present in population databases (rs267606683, gnomAD 0.002%). This missense change has been observed in individual(s) with Brown-Vialetto-Van Laere syndrome (PMID: 20920669). In at least one individual the data is consistent with being in trans (on the opposite chromosome) from a pathogenic variant. It has also been observed to segregate with disease in related individuals. ClinVar contains an entry for this variant (Variation ID: 210015). Invitae Evidence Modeling of protein sequence and biophysical properties (such as structural, functional, and spatial information, amino acid conservation, physicochemical variation, residue mobility, and thermodynamic stability) indicates that this missense variant is expected to disrupt SLC52A3 protein function with a positive predictive value of 95%. Experimental studies have shown that this missense change affects SLC52A3 function (PMID: 22273710). For these reasons, this variant has been classified as Pathogenic.

Genomic Medicine Center of Excellence, King Faisal Specialist Hospital and Research Centre
Classification: Uncertain significance for Brown-Vialetto-van Laere syndrome 1. Last evaluated: 2023-05-08. Review status: criteria provided, single submitter. Criteria: ACMG Guidelines, 2015. Collection method: research. Allele origin: germline. Affected: yes.

GeneReviews
No classification provided. Condition: Brown-Vialetto-van Laere syndrome 1. Review status: no classification provided. Collection method: literature only. Allele origin: germline. Affected: yes. Not counted in ClinVar's aggregate classification.

Literature cited by the submitters: PubMed 20920669 (cited by Labcorp Genetics (formerly Invitae), Labcorp and GeneReviews); PubMed 22273710 (cited by Labcorp Genetics (formerly Invitae), Labcorp); NCBI Bookshelf NBK299312 (cited by GeneReviews).

NM_033409.4(SLC52A3):c.211G>A (p.Glu71Lys)

Gene: SLC52A3 (solute carrier family 52 member 3; minus strand). Cytogenetic location: 20p13.
Variant type: single nucleotide variant.
Coding change: c.211G>A on transcript NM_033409.4 (MANE Select); coding-DNA position 211, G replaced by A.
Protein change: p.Glu71Lys; replaces glutamic acid 71 with lysine.
Molecular consequence: missense variant.
Genome position (GRCh38, 1-based): chr20:765,564, C>T on the plus strand (G>A on the coding strand, the complement: SLC52A3 is on the minus strand). VCF-style: chr20-765564-C-T. GRCh37 (hg19) VCF-style: chr20-746208-C-T.
Other names: c.211G>A, p.Glu71Lys (NM_001370085.1, NM_001370086.1); short protein forms E71K.
Identifiers: ClinVar variation 210015 (VCV000210015.6), dbSNP rs267606683, ClinGen allele CA346975.
Genomic context (GRCh38, chr20:765,564, plus strand): 5'-AGGCAAAGATGATGCAGGTGACGGTTCCCACGCCCAGCAGGGTGAAGATGATGGGCACTT[C>T]GGAAAGGCAGCTGGGCCGGAAGTGATGGAGCAGGGTGACCAGGAGGGGCCCGATGTTGGC-3'
Protein context (NP_212134.3, residues 61-81): LHHFRPSCLS[Glu71Lys]VPIIFTLLGV